The following is an entry in ClinVar:

ClinVar aggregate classification (germline): Uncertain significance (1 of 4 stars; one submission).

Allele frequency attached by ClinVar (database versions not stated): gnomAD 0.00001; TOPMed 0.00001.
gnomAD v4.1: 2 of 1,551,878 alleles (0.00013%); highest among the groups gnomAD compares: African/African-American, 0.0014%; no homozygotes.

Submission:

Labcorp Genetics (formerly Invitae), Labcorp
Classification: Uncertain significance. Last evaluated: 2021-09-05. Review status: criteria provided, single submitter. Criteria: Invitae Variant Classification Sherloc (09022015). Collection method: clinical testing. Allele origin: germline.
Comment: In summary, the available evidence is currently insufficient to determine the role of this variant in disease. Therefore, it has been classified as a Variant of Uncertain Significance. Algorithms developed to predict the effect of missense changes on protein structure and function (SIFT, PolyPhen-2, Align-GVGD) all suggest that this variant is likely to be disruptive. This variant has not been reported in the literature in individuals affected with KPNA7-related conditions. This variant is not present in population databases (ExAC no frequency). This sequence change replaces glycine with aspartic acid at codon 325 of the KPNA7 protein (p.Gly325Asp). The glycine residue is highly conserved and there is a moderate physicochemical difference between glycine and aspartic acid.

NM_001145715.3(KPNA7):c.974G>A (p.Gly325Asp)

Gene: KPNA7 (karyopherin subunit alpha 7; minus strand). Cytogenetic location: 7q22.1.
Variant type: single nucleotide variant.
Coding change: c.974G>A on transcript NM_001145715.3 (MANE Select); coding-DNA position 974, G replaced by A.
Protein change: p.Gly325Asp; replaces glycine 325 with aspartic acid.
Molecular consequence: missense variant.
Genome position (GRCh38, 1-based): chr7:99,185,089, C>T on the plus strand (G>A on the coding strand, the complement: KPNA7 is on the minus strand). VCF-style: chr7-99185089-C-T. GRCh37 (hg19) VCF-style: chr7-98782712-C-T.
Other names: short protein forms G325D.
Identifiers: ClinVar variation 1372593 (VCV001372593.4), dbSNP rs935475439, ClinGen allele CA163745361.